The following is an entry in ClinVar:

ClinVar aggregate classification (germline): Uncertain significance (1 of 4 stars; one submission).

Conditions:
Cardiovascular phenotype. Identifiers: MedGen CN230736.

gnomAD v4.1: 2 of 1,614,184 alleles (0.00012%); highest among the groups gnomAD compares: Non-Finnish European, 0.00017%; no homozygotes.

Submission:

Ambry Genetics
Classification: Uncertain significance for Cardiovascular phenotype. Last evaluated: 2025-11-15. Review status: criteria provided, single submitter. Criteria: Ambry Variant Classification Scheme 2023. Collection method: clinical testing. Allele origin: germline.
Comment: The p.I429V variant (also known as c.1285A>G), located in coding exon 9 of the CBL gene, results from an A to G substitution at nucleotide position 1285. The isoleucine at codon 429 is replaced by valine, an amino acid with highly similar properties. This amino acid position is conserved. In addition, the in silico prediction for this alteration is inconclusive. Based on the available evidence, the clinical significance of this variant remains unclear.

NM_005188.4(CBL):c.1285A>G (p.Ile429Val)

Gene: CBL (Cbl proto-oncogene; plus strand). Cytogenetic location: 11q23.3.
Variant type: single nucleotide variant.
Coding change: c.1285A>G on transcript NM_005188.4 (MANE Select); coding-DNA position 1285, A replaced by G.
Protein change: p.Ile429Val; replaces isoleucine 429 with valine.
Molecular consequence: missense variant.
Genome position (GRCh38, 1-based): chr11:119,278,567, A>G. VCF-style: chr11-119278567-A-G. GRCh37 (hg19) VCF-style: chr11-119149277-A-G.
Other names: short protein forms I429V.
Identifiers: ClinVar variation 4613874 (VCV004613874.1).